The following is an entry in ClinVar:

NM_000550.3(TYRP1):c.913+2T>G

Gene: TYRP1 (tyrosinase related protein 1; plus strand). Cytogenetic location: 9p23.
Variant type: single nucleotide variant.
Coding change: c.913+2T>G on transcript NM_000550.3 (MANE Select); the canonical splice donor site of the intron after coding-DNA position 913, T replaced by G.
Molecular consequence: splice donor variant.
Genome position (GRCh38, 1-based): chr9:12,698,657, T>G. VCF-style: chr9-12698657-T-G. GRCh37 (hg19) VCF-style: chr9-12698657-T-G.
Identifiers: ClinVar variation 1481935 (VCV001481935.8), dbSNP rs1394455331, ClinGen allele CA372940400.

ClinVar aggregate classification (germline): Pathogenic/Likely pathogenic. Review status: criteria provided, multiple submitters, no conflicts (2 of 4 stars). 2 submissions from 2 submitters: Pathogenic (1); Likely pathogenic (1). Last evaluated 2023-12-20.

Conditions:
Oculocutaneous albinism type 3 (OCA3). Also called: RUFOUS OCULOCUTANEOUS ALBINISM; XANTHISM; Rufous OCA; Rufous albinism; Albinism, oculocutaneous, type III; ALBINISM III. Identifiers: Orphanet 79433, MedGen C0342683, MONDO:0008747, OMIM 203290.

Allele frequency attached by ClinVar (database versions not stated): gnomAD exomes below 0.00001 and 0.00001.
gnomAD v4.1: 18 of 1,612,612 alleles (0.0011%); highest among the groups gnomAD compares: Non-Finnish European, 0.0015%; no homozygotes.

Submissions (2):

Labcorp Genetics (formerly Invitae), Labcorp
Classification: Likely pathogenic. Last evaluated: 2023-12-20. Review status: criteria provided, single submitter. Criteria: Invitae Variant Classification Sherloc (09022015). Collection method: clinical testing. Allele origin: germline.
Comment: This sequence change affects a donor splice site in intron 4 of the TYRP1 gene. It is expected to disrupt RNA splicing. Variants that disrupt the donor or acceptor splice site typically lead to a loss of protein function (PMID: 16199547), and loss-of-function variants in TYRP1 are known to be pathogenic (PMID: 8651291, 9345097). This variant is present in population databases (no rsID available, gnomAD 0.0009%). Disruption of this splice site has been observed in individual(s) with oculocutaneous albinism (PMID: 34838614). ClinVar contains an entry for this variant (Variation ID: 1481935). Algorithms developed to predict the effect of sequence changes on RNA splicing suggest that this variant may disrupt the consensus splice site. In summary, the currently available evidence indicates that the variant is pathogenic, but additional data are needed to prove that conclusively. Therefore, this variant has been classified as Likely Pathogenic.

Molecular Genetics, University Hospital Bordeaux
Classification: Pathogenic for Oculocutaneous albinism type 3. Last evaluated: 2023-06-04. Review status: criteria provided, single submitter. Criteria: ACMG Guidelines, 2015. Collection method: clinical testing, in vitro. Allele origin: inherited, not applicable. Affected: yes. Functional consequence: sequence_variant_affecting_splicing.

Literature cited by the submitters: PubMed 16199547 (cited by Labcorp Genetics (formerly Invitae), Labcorp); PubMed 8651291 (cited by Labcorp Genetics (formerly Invitae), Labcorp); PubMed 9345097 (cited by Labcorp Genetics (formerly Invitae), Labcorp); PubMed 34838614 (cited by Labcorp Genetics (formerly Invitae), Labcorp).